The following is an entry in ClinVar:

ClinVar aggregate classification (germline): Uncertain significance (1 of 4 stars; one submission).

Conditions:
Hereditary cancer-predisposing syndrome. Also called: Neoplastic Syndromes, Hereditary; Tumor predisposition; Hereditary neoplastic syndrome; Hereditary Cancer Syndrome. Identifiers: Orphanet 140162, MedGen C0027672, MeSH D009386, MONDO:0015356.

Submission:

Ambry Genetics
Classification: Uncertain significance for Hereditary cancer-predisposing syndrome. Last evaluated: 2026-07-13. Review status: criteria provided, single submitter. Criteria: Ambry Variant Classification Scheme 2023. Collection method: clinical testing. Allele origin: germline.
Comment: The c.4023_4033dup11 variant, located in coding exon 23 of the PTCH1 gene, results from a duplication of TCGCGGGGCCC at nucleotide position 4023, causing a translational frameshift with a predicted alternate stop codon (p.R1345Lfs*31). This variant occurs at the 3' terminus of the gene, is not expected to trigger nonsense-mediated mRNAdecay, and impacts the last 7% of the protein. The exact functional effect of this variant is unknown. Based on the available evidence, the clinical significance of this variant remains unclear.

NM_000264.5(PTCH1):c.4023_4033dup (p.Arg1345fs)

Gene: PTCH1 (patched 1; minus strand). Cytogenetic location: 9q22.32.
Variant type: Duplication.
Coding change: c.4023_4033dup on transcript NM_000264.5 (MANE Select); coding-DNA positions 4023 to 4033, 11 bases duplicated (TCGCGGGGCCC).
Protein change: p.Arg1345fs; shifts the reading frame from arginine 1345.
Molecular consequence: frameshift variant. On other transcripts: non-coding transcript variant (1).
Genome position (GRCh38, 1-based): chr9:95,447,223-95,447,233, GGGCCCCGCGA duplicated on the plus strand (TCGCGGGGCCC on the coding strand, the reverse complement: PTCH1 is on the minus strand); duplicating any 11 consecutive bases within chr9:95,447,223-95,447,240 gives the same sequence; the c. name uses the placement nearest the transcript's 3' end. VCF-style (leftmost placement, unchanged base first): chr9-95447222-C-CGGGCCCCGCGA. GRCh37 (hg19) VCF-style: chr9-98209504-C-CGGGCCCCGCGA.
Other names: c.3825_3835dup, p.Arg1279fs (NM_001083602.3); c.4020_4030dup, p.Arg1344fs (NM_001083603.3); c.3570_3580dup, p.Arg1194fs (NM_001083604.3, NM_001083605.3, NM_001083606.3 and 1 more transcripts); c.3867_3877dup, p.Arg1293fs (NM_001354918.2); c.4023_4033dupTCGCGGGGCCC (NM_000264.3); short protein forms R1279fs, R1293fs, R1194fs, R1344fs, R1345fs.
Identifiers: ClinVar variation 5027456 (VCV005027456.1).
Genomic context (GRCh38, chr9:95,447,222, plus strand): 5'-CAGTAGCCGGGCACGGAGCTGCCCATGGCAGTGGACGCTGGGTTCCGAGGGTTGTGAGAA[C>CGGGCCCCGCGA]GGGCCCCGCGAGGGCCCCAGCGGGCCCTATTGCTAGGGCCAGAATGCCCTTCAGTAGAAA-3'